The following is an entry in ClinVar:

ClinVar aggregate classification (germline): Pathogenic (1 of 4 stars; one submission).

Conditions:
RYR1-related disorder. Also called: RYR1-related condition; RYR1-related disorders. Identifiers: MedGen CN239331.

Allele frequency attached by ClinVar (database versions not stated): gnomAD exomes below 0.00001.
gnomAD v4.1: 1 of 1,612,634 alleles (0.000062%); highest among the groups gnomAD compares: Admixed American, 0.0017%; no homozygotes.

Submission:

Labcorp Genetics (formerly Invitae), Labcorp
Classification: Pathogenic for RYR1-related disorder. Last evaluated: 2021-10-13. Review status: criteria provided, single submitter. Criteria: Invitae Variant Classification Sherloc (09022015). Collection method: clinical testing. Allele origin: germline.
Comment: For these reasons, this variant has been classified as Pathogenic. This variant has not been reported in the literature in individuals with RYR1-related conditions. This variant is not present in population databases (ExAC no frequency). This sequence change creates a premature translational stop signal (p.Gln2844*) in the RYR1 gene. It is expected to result in an absent or disrupted protein product. Loss-of-function variants in RYR1 are known to be pathogenic (PMID: 20583297, 20839240, 23919265, 28818389).

Literature cited by the submitters: PubMed 20583297; PubMed 20839240; PubMed 23919265; PubMed 28818389.

NM_000540.3(RYR1):c.8530C>T (p.Gln2844Ter)

Genes: RYR1 (ryanodine receptor 1; plus strand), LOC126862902 (BRD4-independent group 4 enhancer GRCh37_chr19:38995830-38997029; plus strand). Cytogenetic location: 19q13.2.
Variant type: single nucleotide variant.
Coding change: c.8530C>T on transcript NM_000540.3 (MANE Select); coding-DNA position 8530, C replaced by T.
Protein change: p.Gln2844Ter; replaces glutamine 2844 with a stop codon.
Molecular consequence: nonsense.
Genome position (GRCh38, 1-based): chr19:38,505,935, C>T. VCF-style: chr19-38505935-C-T. GRCh37 (hg19) VCF-style: chr19-38996575-C-T.
Other names: c.8530C>T, p.Gln2844Ter (NM_001042723.2); short protein forms Q2844*.
Identifiers: ClinVar variation 1428815 (VCV001428815.6), dbSNP rs2145634031, ClinGen allele CA405679062.